The following is an entry in ClinVar:

NM_025144.4(ALPK1):c.2158G>A (p.Ala720Thr)

Gene: ALPK1 (alpha kinase 1; plus strand). Cytogenetic location: 4q25.
Variant type: single nucleotide variant.
Coding change: c.2158G>A on transcript NM_025144.4 (MANE Select); coding-DNA position 2158, G replaced by A.
Protein change: p.Ala720Thr; replaces alanine 720 with threonine.
Molecular consequence: missense variant.
Genome position (GRCh38, 1-based): chr4:112,431,705, G>A. VCF-style: chr4-112431705-G-A. GRCh37 (hg19) VCF-style: chr4-113352861-G-A.
Other names: c.2158G>A (NM_025144.3); c.2158G>A, p.Ala720Thr (NM_001102406.2); c.1924G>A, p.Ala642Thr (NM_001253884.2); short protein forms A720T, A642T.
Identifiers: ClinVar variation 3673758 (VCV003673758.3).

ClinVar aggregate classification (germline): Uncertain significance. Review status: criteria provided, multiple submitters, no conflicts (2 of 4 stars). 2 submissions from 2 submitters: Uncertain significance (2). Last evaluated 2025-12-21.

Conditions:
Inborn genetic diseases. Identifiers: MedGen C0950123, MeSH D030342.

gnomAD v4.1: 6 of 1,614,204 alleles (0.00037%); highest among the groups gnomAD compares: Non-Finnish European, 0.00051%; no homozygotes.

Submissions (2):

Labcorp Genetics (formerly Invitae), Labcorp
Classification: Uncertain significance. Last evaluated: 2025-12-21. Review status: criteria provided, single submitter. Criteria: Invitae Variant Classification Sherloc (09022015). Collection method: clinical testing. Allele origin: germline.
Comment: This sequence change replaces alanine, which is neutral and non-polar, with threonine, which is neutral and polar, at codon 720 of the ALPK1 protein (p.Ala720Thr). This variant is not present in population databases (gnomAD no frequency). This variant has not been reported in the literature in individuals affected with ALPK1-related conditions. ClinVar contains an entry for this variant (Variation ID: 3673758). Invitae Evidence Modeling of protein sequence and biophysical properties (such as structural, functional, and spatial information, amino acid conservation, physicochemical variation, residue mobility, and thermodynamic stability) indicates that this missense variant is not expected to disrupt ALPK1 protein function with a negative predictive value of 80%. In summary, the available evidence is currently insufficient to determine the role of this variant in disease. Therefore, it has been classified as a Variant of Uncertain Significance.

Ambry Genetics
Classification: Uncertain significance for Inborn genetic diseases. Last evaluated: 2025-12-04. Review status: criteria provided, single submitter. Criteria: Ambry Variant Classification Scheme 2023. Collection method: clinical testing. Allele origin: germline.